The following is an entry in ClinVar:

ClinVar aggregate classification (germline): Conflicting classifications of pathogenicity. Review status: criteria provided, conflicting classifications (1 of 4 stars). 3 submissions from 3 submitters: Likely pathogenic (2); Uncertain significance (1). Last evaluated 2025-08-26.

Conditions:
Autosomal recessive nonsyndromic hearing loss 1A (DFNB1A). Also called: GJB2-Related Autosomal Recessive Nonsyndromic Hearing Loss; Nonsyndromic Hearing Loss and Deafness, DFNB1; GJB6-Related DFNB 1 Nonsyndromic Hearing Loss and Deafness; Deafness, autosomal recessive 1A; Connexin 26 deafness; Deafness nonsyndromic, Connexin 26 linked. Identifiers: Orphanet 90636, MedGen C2673759, MONDO:0009076, OMIM 220290.

Submissions (3):

First Genomix Gene Laboratory, Genetic Diagnostics Department
Classification: Likely pathogenic for Autosomal recessive nonsyndromic hearing loss 1A. Last evaluated: 2025-08-26. Review status: criteria provided, single submitter. Criteria: ACMG Guidelines, 2015. Collection method: clinical testing. Allele origin: germline. Inheritance: Autosomal recessive inheritance. Affected: no. Observed: 1 variant allele.

CeGaT Center for Human Genetics Tuebingen
Classification: Uncertain significance. Last evaluated: 2024-11-01. Review status: criteria provided, single submitter. Criteria: CeGaT Center For Human Genetics Tuebingen Variant Classification Criteria Version 2. Collection method: clinical testing. Allele origin: germline. Affected: yes. Observed: 2 variant alleles.
Comment: GJB2: PM2, PM3, PM4:Supporting

GeneID Lab - Advanced Molecular Diagnostics
Classification: Likely pathogenic for Autosomal recessive nonsyndromic hearing loss 1A. Last evaluated: 2018-09-27. Review status: criteria provided, single submitter. Criteria: ACMG Guidelines, 2015. Collection method: clinical testing. Allele origin: germline. Affected: no. Observed: 1 variant allele.
Comment: The GJB2 in frame-deletion has been described in a family with pre-lingual sensorineural deafness. The c.247_249delTTC (p.F83del) GJB2 mutation was detected in compound heterozygosity with the c.35delG GJB2 mutation in the proband and was later confirmed in the father, while the mother was homozygous for the c.35delG GJB2 mutation (PMID: 22484064, 18809215). Based on these findings and the limited literature regarding this substitution we consider it as a “likely pathogenic variant”.

Literature cited by the submitters: PubMed 22484064 (cited by GeneID Lab - Advanced Molecular Diagnostics); PubMed 18809215 (cited by GeneID Lab - Advanced Molecular Diagnostics).

NM_004004.6(GJB2):c.247_249del (p.Phe83del)

Gene: GJB2 (gap junction protein beta 2; minus strand). Cytogenetic location: 13q12.11.
Variant type: Deletion.
Coding change: c.247_249del on transcript NM_004004.6 (MANE Select); coding-DNA positions 247 to 249, 3 bases deleted (TTC; older notation c.247_249delTTC).
Protein change: p.Phe83del; deletes phenylalanine 83.
Molecular consequence: inframe deletion.
Genome position (GRCh38, 1-based): chr13:20,189,333-20,189,335, GAA deleted on the plus strand (TTC on the coding strand, the reverse complement: GJB2 is on the minus strand); deleting any 3 consecutive bases within chr13:20,189,333-20,189,337 gives the same sequence; the c. name uses the placement nearest the transcript's 3' end. VCF-style (leftmost placement, unchanged base first): chr13-20189332-CGAA-C. GRCh37 (hg19) VCF-style: chr13-20763471-CGAA-C.
Other names: c.247_249delTTC (NM_004004.6); short protein forms F83del.
Identifiers: ClinVar variation 1319975 (VCV001319975.16), dbSNP rs2137308192, ClinGen allele CA2573053787.
Genomic context (GRCh38, chr13:20,189,332, plus strand): 5'-TCTTCTTCTCATGTCTCCGGTAGGCCACGTGCATGGCCACTAGGAGCGCTGGCGTGGACA[CGAA>C]GATCAGCTGCAGGGCCCATAGCCGGATGTGGGAGATGGGGAAGTAGTGATCGTAGCACAC-3'